The following is an entry in ClinVar:

ClinVar aggregate classification (germline): Uncertain significance (1 of 4 stars; one submission).

Conditions:
Familial adenomatous polyposis 1 (FAP1). Also called: FAMILIAL ADENOMATOUS POLYPOSIS 1, ATTENUATED; POLYPOSIS, ADENOMATOUS INTESTINAL. Identifiers: MedGen C2713442, MONDO:0021056, OMIM 175100. Disease mechanism: loss of function.

Submission:

Labcorp Genetics (formerly Invitae), Labcorp
Classification: Uncertain significance for Familial adenomatous polyposis 1. Last evaluated: 2025-02-16. Review status: criteria provided, single submitter. Criteria: Invitae Variant Classification Sherloc (09022015). Collection method: clinical testing. Allele origin: germline.
Comment: This sequence change replaces proline, which is neutral and non-polar, with leucine, which is neutral and non-polar, at codon 1780 of the APC protein (p.Pro1780Leu). This variant is not present in population databases (gnomAD no frequency). This variant has not been reported in the literature in individuals affected with APC-related conditions. ClinVar contains an entry for this variant (Variation ID: 644758). Invitae Evidence Modeling of protein sequence and biophysical properties (such as structural, functional, and spatial information, amino acid conservation, physicochemical variation, residue mobility, and thermodynamic stability) indicates that this missense variant is not expected to disrupt APC protein function with a negative predictive value of 95%. In summary, the available evidence is currently insufficient to determine the role of this variant in disease. Therefore, it has been classified as a Variant of Uncertain Significance.

NM_000038.6(APC):c.5339C>T (p.Pro1780Leu)

Gene: APC (APC regulator of Wnt signaling pathway; plus strand). Cytogenetic location: 5q22.2.
Variant type: single nucleotide variant.
Coding change: c.5339C>T on transcript NM_000038.6 (MANE Select); coding-DNA position 5339, C replaced by T.
Protein change: p.Pro1780Leu; replaces proline 1780 with leucine.
Molecular consequence: missense variant.
Genome position (GRCh38, 1-based): chr5:112,840,933, C>T. VCF-style: chr5-112840933-C-T. GRCh37 (hg19) VCF-style: chr5-112176630-C-T.
Other names: c.5339C>T, p.Pro1780Leu (NM_001127510.3, NM_001354895.2); c.5216C>T, p.Pro1739Leu (NM_001354900.2); c.5162C>T, p.Pro1721Leu (NM_001354901.2); c.5066C>T, p.Pro1689Leu (NM_001354902.2); c.5036C>T, p.Pro1679Leu (NM_001354903.2); c.4961C>T, p.Pro1654Leu (NM_001354904.2); c.4859C>T, p.Pro1620Leu (NM_001354905.2); c.4490C>T, p.Pro1497Leu (NM_001354906.2); and 5 more; short protein forms P1689L, P1721L, P1762L, P1780L, P1654L, P1752L, P1497L, P1620L.
Identifiers: ClinVar variation 644758 (VCV000644758.10), dbSNP rs879254248, ClinGen allele CA16033002.